The following is an entry in ClinVar:

ClinVar aggregate classification (germline): Pathogenic (1 of 4 stars; one submission).

Submission:

Labcorp Genetics (formerly Invitae), Labcorp
Classification: Pathogenic. Last evaluated: 2023-09-22. Review status: criteria provided, single submitter. Criteria: Invitae Variant Classification Sherloc (09022015). Collection method: clinical testing. Allele origin: germline.
Comment: This sequence change creates a premature translational stop signal (p.Thr78Asnfs*150) in the MYO15A gene. It is expected to result in an absent or disrupted protein product. Loss-of-function variants in MYO15A are known to be pathogenic (PMID: 17546645). This variant is not present in population databases (gnomAD no frequency). This variant has not been reported in the literature in individuals affected with MYO15A-related conditions. For these reasons, this variant has been classified as Pathogenic.

Literature cited by the submitters: PubMed 17546645.

NM_016239.4(MYO15A):c.232dup (p.Thr78fs)

Gene: MYO15A (myosin XVA; plus strand). Cytogenetic location: 17p11.2.
Variant type: Duplication.
Coding change: c.232dup on transcript NM_016239.4 (MANE Select); coding-DNA position 232, one base duplicated (A; older notation c.232dupA).
Protein change: p.Thr78fs; shifts the reading frame from threonine 78.
Molecular consequence: frameshift variant.
Genome position (GRCh38, 1-based): chr17:18,119,032, A duplicated. VCF-style (leftmost placement, unchanged base first): chr17-18119031-C-CA. GRCh37 (hg19) VCF-style: chr17-18022345-C-CA.
Other names: short protein forms T78fs.
Identifiers: ClinVar variation 2762332 (VCV002762332.3), dbSNP rs2545172930, ClinGen allele CA2697559443.
Genomic context (GRCh38, chr17:18,119,031, plus strand): 5'-GGCCTTCTTCTGGGGCCTCCACACCGGCCCCCAGAAGACCAAGCGCAAGAGGAAGGCCCG[C>CA]ACCGTGCTCAAGTCCACGTCAAAGCTCATGACGCAGATGCGCATGGGCAAGAAGAAGCGG-3'